The following is an entry in ClinVar:

ClinVar aggregate classification (germline): Pathogenic (1 of 4 stars; one submission).

Submission:

Labcorp Genetics (formerly Invitae), Labcorp
Classification: Pathogenic. Last evaluated: 2023-04-06. Review status: criteria provided, single submitter. Criteria: Invitae Variant Classification Sherloc (09022015). Collection method: clinical testing. Allele origin: germline.
Comment: This variant disrupts a region of the HPS6 protein in which other variant(s) (p.Gln680*) have been determined to be pathogenic (PMID: 27225848, 29054114, 31141302). This suggests that this is a clinically significant region of the protein, and that variants that disrupt it are likely to be disease-causing. For these reasons, this variant has been classified as Pathogenic. This variant has not been reported in the literature in individuals affected with HPS6-related conditions. This variant is not present in population databases (gnomAD no frequency). This sequence change creates a premature translational stop signal (p.Lys469Glufs*9) in the HPS6 gene. While this is not anticipated to result in nonsense mediated decay, it is expected to disrupt the last 307 amino acid(s) of the HPS6 protein.

Literature cited by the submitters: PubMed 27225848; PubMed 29054114; PubMed 31141302.

NM_024747.6(HPS6):c.1403dup (p.Lys469fs)

Gene: HPS6 (HPS6 biogenesis of lysosomal organelles complex 2 subunit 3; plus strand). Cytogenetic location: 10q24.32.
Variant type: Duplication.
Coding change: c.1403dup on transcript NM_024747.6 (MANE Select); coding-DNA position 1403, one base duplicated (T; older notation c.1403dupT).
Protein change: p.Lys469fs; shifts the reading frame from lysine 469.
Molecular consequence: frameshift variant.
Genome position (GRCh38, 1-based): chr10:102,066,877, T duplicated. VCF-style (leftmost placement, unchanged base first): chr10-102066876-C-CT. GRCh37 (hg19) VCF-style: chr10-103826633-C-CT.
Other names: short protein forms K469fs.
Identifiers: ClinVar variation 2852241 (VCV002852241.3), dbSNP rs2540987954, ClinGen allele CA2739275949.
Genomic context (GRCh38, chr10:102,066,876, plus strand): 5'-CCATCTGCACTGCTGACCATGTTGAGGACCGAGCTTCGGGATTACCGAGGCTTAGAACAG[C>CT]TGAAGGCCCAGCTGGTGGCTGGGGATGATGAGGAGGCTGGTTGGACTGAGCTGGCGGAGC-3'